The following is an entry in ClinVar:

ClinVar aggregate classification (germline): Uncertain significance. Review status: criteria provided, multiple submitters, no conflicts (2 of 4 stars). 2 submissions from 2 submitters: Uncertain significance (2). Last evaluated 2023-04-14.

Conditions:
Cardiovascular phenotype. Identifiers: MedGen CN230736.
Long QT syndrome (LQTS). Identifiers: MedGen C0023976, MeSH D008133, MONDO:0002442. Disease mechanism: loss of function. Inheritance: Various modes of inheritance.

Allele frequency attached by ClinVar (database versions not stated): gnomAD 0.00002.
gnomAD v4.1: 3 of 1,613,864 alleles (0.00019%); highest among the groups gnomAD compares: African/African-American, 0.004%; no homozygotes.

Submissions (2):

Ambry Genetics
Classification: Uncertain significance for Cardiovascular phenotype. Last evaluated: 2023-04-14. Review status: criteria provided, single submitter. Criteria: Ambry Variant Classification Scheme 2023. Collection method: clinical testing. Allele origin: germline.
Comment: The p.F2249L variant (also known as c.6747C>A), located in coding exon 38 of the ANK2 gene, results from a C to A substitution at nucleotide position 6747. The phenylalanine at codon 2249 is replaced by leucine, an amino acid with highly similar properties. This amino acid position is conserved. In addition, this alteration is predicted to be tolerated by in silico analysis. Since supporting evidence is limited at this time, the clinical significance of this alteration remains unclear.

Labcorp Genetics (formerly Invitae), Labcorp
Classification: Uncertain significance for Long QT syndrome. Last evaluated: 2020-02-19. Review status: criteria provided, single submitter. Criteria: Invitae Variant Classification Sherloc (09022015). Collection method: clinical testing. Allele origin: germline.
Comment: This variant is not present in population databases (ExAC no frequency). In summary, the available evidence is currently insufficient to determine the role of this variant in disease. Therefore, it has been classified as a Variant of Uncertain Significance. Algorithms developed to predict the effect of missense changes on protein structure and function (SIFT, PolyPhen-2, Align-GVGD) all suggest that this variant is likely to be tolerated, but these predictions have not been confirmed by published functional studies and their clinical significance is uncertain. This variant has not been reported in the literature in individuals with ANK2-related conditions. This sequence change replaces phenylalanine with leucine at codon 2249 of the ANK2 protein (p.Phe2249Leu). The phenylalanine residue is weakly conserved and there is a small physicochemical difference between phenylalanine and leucine.

NM_001148.6(ANK2):c.6747C>A (p.Phe2249Leu)

Gene: ANK2 (ankyrin 2; plus strand). Cytogenetic location: 4q26.
Variant type: single nucleotide variant.
Coding change: c.6747C>A on transcript NM_001148.6 (MANE Select); coding-DNA position 6747, C replaced by A.
Protein change: p.Phe2249Leu; replaces phenylalanine 2249 with leucine.
Molecular consequence: missense variant. On other transcripts: intron variant (68).
Genome position (GRCh38, 1-based): chr4:113,355,365, C>A. VCF-style: chr4-113355365-C-A. GRCh37 (hg19) VCF-style: chr4-114276521-C-A.
Other names: c.6513C>A, p.Phe2171Leu (NM_001386142.1); c.3147C>A, p.Phe1049Leu (NM_001386166.1); c.6888C>A, p.Phe2296Leu (NM_001386174.1); c.6864C>A, p.Phe2288Leu (NM_001386175.1); c.4411+5116C>A (NM_001386186.2, NM_001386148.2); c.4213+5116C>A (NM_001354269.3); c.4291+5116C>A (NM_001386187.2); c.4252+5116C>A (NM_001386147.1); and 36 more; short protein forms F2171L, F2296L, F1049L, F2249L, F2288L.
Identifiers: ClinVar variation 1035870 (VCV001035870.7), dbSNP rs2095685965, ClinGen allele CA357925440.